The following is an entry in ClinVar:

ClinVar aggregate classification (germline): Uncertain significance (0 of 4 stars; one submission).

Conditions:
POLR3A-related disorder. Also called: POLR3A-related disorders; POLR3A-related condition. Identifiers: MedGen CN378587, MONDO:0700276.

gnomAD v4.1: 3 of 1,614,002 alleles (0.00019%); highest among the groups gnomAD compares: African/African-American, 0.0027%; no homozygotes.

Submission:

PreventionGenetics, part of Exact Sciences
Classification: Uncertain significance for POLR3A-related condition. Last evaluated: 2023-10-18. Review status: no assertion criteria provided. Collection method: clinical testing. Allele origin: germline.
Comment: The POLR3A c.275G>A variant is predicted to result in the amino acid substitution p.Cys92Tyr. To our knowledge, this variant has not been reported in the literature or in a large population database, indicating this variant is rare. At this time, the clinical significance of this variant is uncertain due to the absence of conclusive functional and genetic evidence.

NM_007055.4(POLR3A):c.275G>A (p.Cys92Tyr)

Genes: POLR3A (RNA polymerase III subunit A; minus strand), LOC126860971 (CDK7 strongly-dependent group 2 enhancer GRCh37_chr10:79784551-79785750; plus strand). Cytogenetic location: 10q22.3.
Variant type: single nucleotide variant.
Coding change: c.275G>A on transcript NM_007055.4 (MANE Select); coding-DNA position 275, G replaced by A.
Protein change: p.Cys92Tyr; replaces cysteine 92 with tyrosine.
Molecular consequence: missense variant.
Genome position (GRCh38, 1-based): chr10:78,025,665, C>T on the plus strand (G>A on the coding strand, the complement: POLR3A is on the minus strand). VCF-style: chr10-78025665-C-T. GRCh37 (hg19) VCF-style: chr10-79785423-C-T.
Other names: short protein forms C92Y.
Identifiers: ClinVar variation 3052098 (VCV003052098.2), dbSNP rs200952070, ClinGen allele CA377347217.
Genomic context (GRCh38, chr10:78,025,665, plus strand): 5'-AGCACCTGTGTGCTTACCTGTAAGATGCCTATGACTGCTCTGAAGTACCCTACATGAAAA[C>T]ACGGCAACTCCAGGTCGATATACCCATAGTGGCCTAGACAGTCAGCCAAGTTTTTCCCAC-3'
Protein context (NP_008986.2, residues 82-102): HYGYIDLELP[Cys92Tyr]FHVGYFRAVI